The following is an entry in ClinVar:

ClinVar aggregate classification (germline): Benign/Likely benign. Review status: criteria provided, multiple submitters, no conflicts (2 of 4 stars). 3 submissions from 3 submitters: Benign (1); Likely benign (2). Last evaluated 2026-05-27.

Conditions:
Hereditary cancer-predisposing syndrome. Also called: Neoplastic Syndromes, Hereditary; Tumor predisposition; Hereditary Cancer Syndrome; Hereditary neoplastic syndrome. Identifiers: Orphanet 140162, MedGen C0027672, MeSH D009386, MONDO:0015356.
Familial cancer of breast. Also called: BREAST CANCER, FAMILIAL; Hereditary breast cancer; hereditary breast carcinoma. Identifiers: Orphanet 227535, MedGen C0346153, MONDO:0016419, OMIM 114480. Disease mechanism: loss of function.
Ataxia-telangiectasia syndrome (AT). Also called: LOUIS-BAR SYNDROME; Cerebello-oculocutaneous telangiectasia; Immunodeficiency with ataxia telangiectasia; Ataxia-telangiectasia; Ataxia-telangiectasia, complementation group D; AT, COMPLEMENTATION GROUP C. Identifiers: Orphanet 100, MedGen C0004135, MONDO:0008840, OMIM 208900.

Submissions (3):

Ambry Genetics
Classification: Likely benign for Hereditary cancer-predisposing syndrome. Last evaluated: 2026-05-27. Review status: criteria provided, single submitter. Criteria: Ambry Variant Classification Scheme 2023. Collection method: clinical testing. Allele origin: germline.

Labcorp Genetics (formerly Invitae), Labcorp
Classification: Likely benign for Ataxia-telangiectasia syndrome. Last evaluated: 2025-04-08. Review status: criteria provided, single submitter. Criteria: Invitae Variant Classification Sherloc (09022015). Collection method: clinical testing. Allele origin: germline.

Myriad Genetics, Inc.
Classification: Benign for Familial cancer of breast. Last evaluated: 2024-05-22. Review status: criteria provided, single submitter. Criteria: Myriad Autosomal Dominant, Autosomal Recessive and X-Linked Classification Criteria (2023). Collection method: clinical testing. Allele origin: unknown.
Comment: This variant is considered benign. This variant is a silent/synonymous amino acid change and it is not expected to impact splicing.

NM_000051.4(ATM):c.5202T>C (p.Val1734=)

Gene: ATM (ATM serine/threonine kinase; plus strand). Cytogenetic location: 11q22.3.
Variant type: single nucleotide variant.
Coding change: c.5202T>C on transcript NM_000051.4 (MANE Select); coding-DNA position 5202, T replaced by C.
Protein change: p.Val1734=; no amino-acid change (valine 1734 retained).
Molecular consequence: synonymous variant.
Genome position (GRCh38, 1-based): chr11:108,301,672, T>C. VCF-style: chr11-108301672-T-C. GRCh37 (hg19) VCF-style: chr11-108172399-T-C.
Other names: c.5202T>C, p.Val1734= (NM_001351834.2).
Identifiers: ClinVar variation 3253911 (VCV003253911.2), dbSNP rs2135912352.
Genomic context (GRCh38, chr11:108,301,672, plus strand): 5'-GGTGTACTTGATAGGCATTTGAATTGTTTTTTTCAGTGTCAAAGTTCGATCAGCAGCTGT[T>C]ACCTGTTTGAAAAACATTTTAGCCACAAAGACTGGACATAGTTTCTGGGAGATTTATAAG-3'
Protein context (NP_000042.3, residues 1724-1744): EDCVKVRSAA[Val1734=]TCLKNILATK